The following is an entry in ClinVar:

ClinVar aggregate classification (germline): Uncertain significance (1 of 4 stars; one submission).

Submission:

Labcorp Genetics (formerly Invitae), Labcorp
Classification: Uncertain significance. Last evaluated: 2022-08-23. Review status: criteria provided, single submitter. Criteria: Invitae Variant Classification Sherloc (09022015). Collection method: clinical testing. Allele origin: germline.
Comment: In summary, the available evidence is currently insufficient to determine the role of this variant in disease. Therefore, it has been classified as a Variant of Uncertain Significance. Algorithms developed to predict the effect of missense changes on protein structure and function are either unavailable or do not agree on the potential impact of this missense change (SIFT: "Deleterious"; PolyPhen-2: "Benign"; Align-GVGD: "Class C35"). This variant has not been reported in the literature in individuals affected with CLCN6-related conditions. This variant is not present in population databases (gnomAD no frequency). This sequence change replaces isoleucine, which is neutral and non-polar, with serine, which is neutral and polar, at codon 150 of the CLCN6 protein (p.Ile150Ser).

NM_001286.5(CLCN6):c.449T>G (p.Ile150Ser)

Gene: CLCN6 (chloride voltage-gated channel 6; plus strand). Cytogenetic location: 1p36.22.
Variant type: single nucleotide variant.
Coding change: c.449T>G on transcript NM_001286.5 (MANE Select); coding-DNA position 449, T replaced by G.
Protein change: p.Ile150Ser; replaces isoleucine 150 with serine.
Molecular consequence: missense variant. On other transcripts: non-coding transcript variant (1).
Genome position (GRCh38, 1-based): chr1:11,822,797, T>G. VCF-style: chr1-11822797-T-G. GRCh37 (hg19) VCF-style: chr1-11882854-T-G.
Other names: c.383T>G, p.Ile128Ser (NM_001256959.2); short protein forms I128S, I150S.
Identifiers: ClinVar variation 1997973 (VCV001997973.4), dbSNP rs201301950, ClinGen allele CA338427554.
Genomic context (GRCh38, chr1:11,822,797, plus strand): 5'-TCCTTGAACTCCTGGGTTTTAACCTCACCTTTGTCTTCCTGGCAAGCCTCCTTGTTCTCA[T>G]TGAGGTGAGGTGGTTTGGATTCACCTGCTCGCTTAGGAGGTTTTAGAGTCCCGCACTCCT-3'
Protein context (NP_001277.2, residues 140-160): FVFLASLLVL[Ile150Ser]EPVAAGSGIP